The following is an entry in ClinVar:

NM_000214.3(JAG1):c.222C>T (p.Tyr74=)

Gene: JAG1 (jagged canonical Notch ligand 1; minus strand). Cytogenetic location: 20p12.2.
Variant type: single nucleotide variant.
Coding change: c.222C>T on transcript NM_000214.3 (MANE Select); coding-DNA position 222, C replaced by T.
Protein change: p.Tyr74=; no amino-acid change (tyrosine 74 retained).
Molecular consequence: synonymous variant.
Genome position (GRCh38, 1-based): chr20:10,672,866, G>A on the plus strand (C>T on the coding strand, the complement: JAG1 is on the minus strand). VCF-style: chr20-10672866-G-A. GRCh37 (hg19) VCF-style: chr20-10653514-G-A.
Identifiers: ClinVar variation 669385 (VCV000669385.1), dbSNP rs1600196465, ClinGen allele CA509816882.

ClinVar aggregate classification (germline): Likely benign (1 of 4 stars; one submission).

Allele frequency attached by ClinVar (database versions not stated): gnomAD exomes below 0.00001.
gnomAD v4.1: 2 of 1,613,354 alleles (0.00012%); highest among the groups gnomAD compares: Non-Finnish European, 0.00017%; no homozygotes.

Submission:

GeneDx
Classification: Likely benign. Last evaluated: 2018-05-31. Review status: criteria provided, single submitter. Criteria: GeneDx Variant Classification (06012015). Collection method: clinical testing. Allele origin: germline. Affected: yes.
Comment: This variant is considered likely benign or benign based on one or more of the following criteria: it is a conservative change, it occurs at a poorly conserved position in the protein, it is predicted to be benign by multiple in silico algorithms, and/or has population frequency not consistent with disease.